The following is an entry in ClinVar:

NM_001134363.3(RBM20):c.2434A>T (p.Thr812Ser)

Gene: RBM20 (RNA binding motif protein 20; plus strand). Cytogenetic location: 10q25.2.
Variant type: single nucleotide variant.
Coding change: c.2434A>T on transcript NM_001134363.3 (MANE Select); coding-DNA position 2434, A replaced by T.
Protein change: p.Thr812Ser; replaces threonine 812 with serine.
Molecular consequence: missense variant.
Genome position (GRCh38, 1-based): chr10:110,812,831, A>T. VCF-style: chr10-110812831-A-T. GRCh37 (hg19) VCF-style: chr10-112572589-A-T.
Other names: c.2434A>T (NM_001134363.1); short protein forms T812S.
Identifiers: ClinVar variation 1473744 (VCV001473744.9), dbSNP rs1564661367, ClinGen allele CA378374004.

ClinVar aggregate classification (germline): Uncertain significance. Review status: criteria provided, multiple submitters, no conflicts (2 of 4 stars). 2 submissions from 2 submitters: Uncertain significance (2). Last evaluated 2024-06-11.

Conditions:
Dilated cardiomyopathy 1DD (CMD1DD). Identifiers: Orphanet 154, MedGen C2750995, MONDO:0013168, OMIM 613172.

gnomAD v4.1: 1 of 1,539,520 alleles (0.000065%); highest among the groups gnomAD compares: African/African-American, 0.0014%; no homozygotes.

Submissions (2):

Labcorp Genetics (formerly Invitae), Labcorp
Classification: Uncertain significance for Dilated cardiomyopathy 1DD. Last evaluated: 2024-06-11. Review status: criteria provided, single submitter. Criteria: Invitae Variant Classification Sherloc (09022015). Collection method: clinical testing. Allele origin: germline.
Comment: This sequence change replaces threonine, which is neutral and polar, with serine, which is neutral and polar, at codon 812 of the RBM20 protein (p.Thr812Ser). This variant is not present in population databases (gnomAD no frequency). This variant has not been reported in the literature in individuals affected with RBM20-related conditions. ClinVar contains an entry for this variant (Variation ID: 1473744). Advanced modeling of protein sequence and biophysical properties (such as structural, functional, and spatial information, amino acid conservation, physicochemical variation, residue mobility, and thermodynamic stability) performed at Invitae indicates that this missense variant is not expected to disrupt RBM20 protein function with a negative predictive value of 95%. In summary, the available evidence is currently insufficient to determine the role of this variant in disease. Therefore, it has been classified as a Variant of Uncertain Significance.

Clinical Genomics Laboratory, Stanford Medicine
Classification: Uncertain significance for Dilated cardiomyopathy 1DD. Last evaluated: 2023-06-05. Review status: criteria provided, single submitter. Criteria: ACMG Guidelines, 2015. Collection method: clinical testing. Allele origin: germline. Observed: 1 variant allele, 1 heterozygote.
Comment: The p.Thr812Ser variant in the RBM20 gene has not been previously reported in association with disease. This variant was absent from large population databases, including the Genome Aggregation Database. This variant is present in ClinVar (Variation ID: 1473744). The threonine at position 812 is poorly evolutionarily conserved and serine is observed at this position in several vertebrate species. Computational tools predict that the p.Thr812Ser variant does not impact protein function; however, the accuracy of in silico algorithms is limited. These data were assessed using the ACMG/AMP variant interpretation guidelines. In summary, the significance of the p.Thr812Ser variant is uncertain. Additional information is needed to resolve the significance of this variant. [ACMG evidence codes used: PM2; BP4]